The following is an entry in ClinVar:

NM_000392.5(ABCC2):c.1900+3A>C

Gene: ABCC2 (ATP binding cassette subfamily C member 2; plus strand). Cytogenetic location: 10q24.2.
Variant type: single nucleotide variant.
Coding change: c.1900+3A>C on transcript NM_000392.5 (MANE Select); 3 bases into the intron after coding-DNA position 1900, A replaced by C.
Molecular consequence: intron variant.
Genome position (GRCh38, 1-based): chr10:99,810,221, A>C. VCF-style: chr10-99810221-A-C. GRCh37 (hg19) VCF-style: chr10-101569978-A-C.
Other names: c.1900+3A>C (NM_000392.4).
Identifiers: ClinVar variation 2979356 (VCV002979356.4), dbSNP rs764256931, ClinGen allele CA5643320.

ClinVar aggregate classification (germline): Uncertain significance. Review status: criteria provided, multiple submitters, no conflicts (2 of 4 stars). 2 submissions from 2 submitters: Uncertain significance (2). Last evaluated 2026-05-31.

Conditions:
ABCC2-related disorder. Also called: ABCC2-related condition.

Allele frequency attached by ClinVar (database versions not stated): gnomAD exomes below 0.00001; ExAC 0.00001; gnomAD 0.00001.
gnomAD v4.1: 3 of 1,612,850 alleles (0.00019%); highest among the groups gnomAD compares: Admixed American, 0.005%; no homozygotes.

Submissions (2):

PreventionGenetics, part of Exact Sciences
Classification: Uncertain significance for ABCC2-related condition. Last evaluated: 2026-05-31. Review status: criteria provided, single submitter. Criteria: ACMG Guidelines, 2015. Collection method: clinical testing. Allele origin: germline.
Comment: The ABCC2 c.1900+3A>C variant is predicted to interfere with splicing. This variant is predicted to alter splicing based on available splicing prediction software (SpliceAI, Jaganathan et al. 2019. PubMed ID: 30661751). However, the use of computer prediction softwares is not equivalent to functional evidence. To our knowledge, this variant has not been reported in the literature. This variant is reported in 0.0029% of alleles in individuals of Latino descent in gnomAD. At this time, the clinical significance of this variant is uncertain due to the absence of conclusive functional and genetic evidence.

Labcorp Genetics (formerly Invitae), Labcorp
Classification: Uncertain significance. Last evaluated: 2022-12-04. Review status: criteria provided, single submitter. Criteria: Invitae Variant Classification Sherloc (09022015). Collection method: clinical testing. Allele origin: germline.
Comment: This variant has not been reported in the literature in individuals affected with ABCC2-related conditions. In summary, the available evidence is currently insufficient to determine the role of this variant in disease. Therefore, it has been classified as a Variant of Uncertain Significance. Variants that disrupt the consensus splice site are a relatively common cause of aberrant splicing (PMID: 17576681, 9536098). Algorithms developed to predict the effect of sequence changes on RNA splicing suggest that this variant may disrupt the consensus splice site. This variant is present in population databases (rs764256931, gnomAD 0.003%). This sequence change falls in intron 14 of the ABCC2 gene. It does not directly change the encoded amino acid sequence of the ABCC2 protein. It affects a nucleotide within the consensus splice site.

Literature cited by the submitters: PubMed 17576681 (cited by Labcorp Genetics (formerly Invitae), Labcorp); PubMed 9536098 (cited by Labcorp Genetics (formerly Invitae), Labcorp).